The following is an entry in ClinVar:

NM_022124.6(CDH23):c.9353C>T (p.Pro3118Leu)

Gene: CDH23 (cadherin related 23; plus strand). Cytogenetic location: 10q22.1.
Variant type: single nucleotide variant.
Coding change: c.9353C>T on transcript NM_022124.6 (MANE Select); coding-DNA position 9353, C replaced by T.
Protein change: p.Pro3118Leu; replaces proline 3118 with leucine.
Molecular consequence: missense variant. On other transcripts: 5 prime UTR variant (2).
Genome position (GRCh38, 1-based): chr10:71,811,988, C>T. VCF-style: chr10-71811988-C-T. GRCh37 (hg19) VCF-style: chr10-73571745-C-T.
Other names: c.2633C>T, p.Pro878Leu (NM_001171933.1, NM_001171934.1); c.-304C>T (NM_001171935.1, NM_001171936.1); short protein forms P3118L, P878L.
Identifiers: ClinVar variation 1951167 (VCV001951167.2), dbSNP rs1349443408, ClinGen allele CA377135951.
Genomic context (GRCh38, chr10:71,811,988, plus strand): 5'-TCCATGCCCCAACCCTTCTCCCTGCAGGGAATCGTGGCTTCATCGACATCATGGACATGC[C>T]TAACACCAACAAGTACTCCTTTGATGGGTGAGTGGGGTACTGGCCCTGCCCGGTCCCCTG-3'
Protein context (NP_071407.4, residues 3108-3128): NRGFIDIMDM[Pro3118Leu]NTNKYSFDGA

ClinVar aggregate classification (germline): Uncertain significance (1 of 4 stars; one submission).

Allele frequency attached by ClinVar (database versions not stated): TOPMed below 0.00001; gnomAD 0.00001; gnomAD exomes 0.00001.
gnomAD v4.1: 4 of 1,613,814 alleles (0.00025%); highest among the groups gnomAD compares: Admixed American, 0.0067%; no homozygotes.

Submission:

Labcorp Genetics (formerly Invitae), Labcorp
Classification: Uncertain significance. Last evaluated: 2022-08-05. Review status: criteria provided, single submitter. Criteria: Invitae Variant Classification Sherloc (09022015). Collection method: clinical testing. Allele origin: germline.
Comment: This sequence change replaces proline, which is neutral and non-polar, with leucine, which is neutral and non-polar, at codon 3118 of the CDH23 protein (p.Pro3118Leu). This variant is present in population databases (no rsID available, gnomAD 0.01%). This variant has not been reported in the literature in individuals affected with CDH23-related conditions. Algorithms developed to predict the effect of missense changes on protein structure and function are either unavailable or do not agree on the potential impact of this missense change (SIFT: "Deleterious"; PolyPhen-2: "Not Available"; Align-GVGD: "Class C0"). In summary, the available evidence is currently insufficient to determine the role of this variant in disease. Therefore, it has been classified as a Variant of Uncertain Significance.